The following is an entry in ClinVar:

ClinVar aggregate classification (germline): Likely pathogenic (1 of 4 stars; one submission).

Conditions:
Brugada syndrome 5 (BRGDA5). Identifiers: Orphanet 130, Orphanet 871, MedGen C2748541, MONDO:0013015, OMIM 612838.

Submission:

Labcorp Genetics (formerly Invitae), Labcorp
Classification: Likely pathogenic for Brugada syndrome 5. Last evaluated: 2024-01-24. Review status: criteria provided, single submitter. Criteria: Invitae Variant Classification Sherloc (09022015). Collection method: clinical testing. Allele origin: germline.
Comment: This sequence change affects a donor splice site in intron 1 of the SCN1B gene. It is expected to disrupt RNA splicing. Variants that disrupt the donor or acceptor splice site typically lead to a loss of protein function (PMID: 16199547), and loss-of-function variants in SCN1B are known to be pathogenic (PMID: 17629415, 30660056). This variant is not present in population databases (gnomAD no frequency). This variant has not been reported in the literature in individuals affected with SCN1B-related conditions. ClinVar contains an entry for this variant (Variation ID: 839639). In summary, the currently available evidence indicates that the variant is pathogenic, but additional data are needed to prove that conclusively. Therefore, this variant has been classified as Likely Pathogenic.

Literature cited by the submitters: PubMed 16199547; PubMed 17629415; PubMed 30660056.

NM_001037.5(SCN1B):c.40+1_40+50del

Gene: SCN1B (sodium voltage-gated channel beta subunit 1; plus strand). Cytogenetic location: 19q13.11.
Variant type: Deletion.
Coding change: c.40+1_40+50del on transcript NM_001037.5 (MANE Select); the canonical splice donor site of the intron after coding-DNA position 40 through 50 bases into the intron after coding-DNA position 40, 50 bases deleted.
Molecular consequence: splice donor variant.
Genome position (GRCh38, 1-based): chr19:35,030,861-35,030,910, 50 bases deleted; deleting any 50 consecutive bases within chr19:35,030,853-35,030,910 gives the same sequence; the c. name uses the placement nearest the transcript's 3' end. GRCh37 (hg19): chr19:35,521,765-35,521,814.
Other names: c.40+1_40+50del (NM_199037.5).
Identifiers: ClinVar variation 839639 (VCV000839639.7), dbSNP rs2064208734, ClinGen allele CA916083691.